The following is an entry in ClinVar:

ClinVar aggregate classification (germline): Uncertain significance. Review status: criteria provided, multiple submitters, no conflicts (2 of 4 stars). 3 submissions from 3 submitters: Uncertain significance (3). Last evaluated 2024-09-24.

Conditions:
Emery-Dreifuss muscular dystrophy 5, autosomal dominant (EDMD5). Also called: EMERY-DREIFUSS MUSCULAR DYSTROPHY 5. Identifiers: Orphanet 261, MedGen C2751805, MONDO:0013072, OMIM 612999.

Allele frequency attached by ClinVar (database versions not stated): gnomAD exomes 0.00002 and 0.00008; gnomAD 0.00003; TOPMed 0.00004.
gnomAD v4.1: 120 of 1,613,516 alleles (0.0074%); highest among the groups gnomAD compares: Non-Finnish European, 0.01%; no homozygotes.

Submissions (3):

Labcorp Genetics (formerly Invitae), Labcorp
Classification: Uncertain significance for Emery-Dreifuss muscular dystrophy 5, autosomal dominant. Last evaluated: 2024-09-24. Review status: criteria provided, single submitter. Criteria: Invitae Variant Classification Sherloc (09022015). Collection method: clinical testing. Allele origin: germline.
Comment: This sequence change replaces leucine, which is neutral and non-polar, with serine, which is neutral and polar, at codon 3485 of the SYNE2 protein (p.Leu3485Ser). This variant is present in population databases (rs533363453, gnomAD 0.004%). This variant has not been reported in the literature in individuals affected with SYNE2-related conditions. ClinVar contains an entry for this variant (Variation ID: 623845). An algorithm developed to predict the effect of missense changes on protein structure and function (PolyPhen-2) suggests that this variant is likely to be disruptive. In summary, the available evidence is currently insufficient to determine the role of this variant in disease. Therefore, it has been classified as a Variant of Uncertain Significance.

Ambry Genetics
Classification: Uncertain significance. Last evaluated: 2022-12-01. Review status: criteria provided, single submitter. Criteria: Ambry Variant Classification Scheme 2023. Collection method: clinical testing. Allele origin: germline.

CeGaT Center for Human Genetics Tuebingen
Classification: Uncertain significance. Last evaluated: 2019-02-01. Review status: criteria provided, single submitter. Criteria: CeGaT Center For Human Genetics Tuebingen Variant Classification Criteria Version 2. Collection method: clinical testing. Allele origin: germline. Affected: yes. Observed: 4 variant alleles.

NM_182914.3(SYNE2):c.10454T>C (p.Leu3485Ser)

Gene: SYNE2 (spectrin repeat containing nuclear envelope protein 2; plus strand). Cytogenetic location: 14q23.2.
Variant type: single nucleotide variant.
Coding change: c.10454T>C on transcript NM_182914.3 (MANE Select); coding-DNA position 10454, T replaced by C.
Protein change: p.Leu3485Ser; replaces leucine 3485 with serine.
Molecular consequence: missense variant.
Genome position (GRCh38, 1-based): chr14:64,070,667, T>C. VCF-style: chr14-64070667-T-C. GRCh37 (hg19) VCF-style: chr14-64537385-T-C.
Other names: c.10454T>C, p.Leu3485Ser (NM_015180.6); short protein forms L3485S.
Identifiers: ClinVar variation 623845 (VCV000623845.51), dbSNP rs533363453, ClinGen allele CA261798280.